The following is an entry in ClinVar:

ClinVar aggregate classification (germline): Benign/Likely benign. Review status: criteria provided, multiple submitters, no conflicts (2 of 4 stars). 2 submissions from 2 submitters: Benign (1); Likely benign (1). Last evaluated 2023-01-01.

Conditions:
Intellectual developmental disorder, X-linked, syndromic 14. Also called: Syndromic X-linked intellectual disability 14. Identifiers: Orphanet 776, MedGen C1970822, MONDO:0010398, OMIM 300676.

Allele frequency attached by ClinVar (database versions not stated): gnomAD 0.00002; gnomAD exomes 0.00009 and 0.00003; 1000 Genomes Project 30x 0.00021; ExAC 0.00009; 1000 Genomes Project 0.00026.
gnomAD v4.1: 35 of 1,207,456 alleles (0.0029%); highest among the groups gnomAD compares: South Asian, 0.055%; no homozygotes.

Submissions (2):

CeGaT Center for Human Genetics Tuebingen
Classification: Likely benign. Last evaluated: 2023-01-01. Review status: criteria provided, single submitter. Criteria: CeGaT Center For Human Genetics Tuebingen Variant Classification Criteria Version 2. Collection method: clinical testing. Allele origin: germline. Affected: yes. Observed: 1 variant allele.
Comment: UPF3B: BP4, BS2

Labcorp Genetics (formerly Invitae), Labcorp
Classification: Benign for Intellectual developmental disorder, X-linked, syndromic 14. Last evaluated: 2021-08-18. Review status: criteria provided, single submitter. Criteria: Invitae Variant Classification Sherloc (09022015). Collection method: clinical testing. Allele origin: germline.

NM_080632.3(UPF3B):c.1302+8T>C

Gene: UPF3B (UPF3B regulator of nonsense mediated mRNA decay; minus strand). Cytogenetic location: Xq24.
Variant type: single nucleotide variant.
Coding change: c.1302+8T>C on transcript NM_080632.3 (MANE Select); 8 bases into the intron after coding-DNA position 1302, T replaced by C.
Molecular consequence: intron variant.
Genome position (GRCh38, 1-based): chrX:119,837,749, A>G on the plus strand (T>C on the coding strand, the complement: UPF3B is on the minus strand). VCF-style: chrX-119837749-A-G. GRCh37 (hg19) VCF-style: chrX-118971712-A-G.
Other names: c.1263+8T>C (NM_023010.4).
Identifiers: ClinVar variation 1587318 (VCV001587318.32), dbSNP rs776786838, ClinGen allele CA10503158.